The following is an entry in ClinVar:

NM_002617.4(PEX10):c.857C>T (p.Thr286Met)

Gene: PEX10 (peroxisomal biogenesis factor 10; minus strand). Cytogenetic location: 1p36.32.
Variant type: single nucleotide variant.
Coding change: c.857C>T on transcript NM_002617.4 (MANE Select); coding-DNA position 857, C replaced by T.
Protein change: p.Thr286Met; replaces threonine 286 with methionine.
Molecular consequence: missense variant. On other transcripts: non-coding transcript variant (1).
Genome position (GRCh38, 1-based): chr1:2,406,539, G>A on the plus strand (C>T on the coding strand, the complement: PEX10 is on the minus strand). VCF-style: chr1-2406539-G-A. GRCh37 (hg19) VCF-style: chr1-2337978-G-A.
Other names: c.914C>T, p.Thr305Met (NM_001374425.1); c.482C>T, p.Thr161Met (NM_001374426.1); c.425C>T, p.Thr142Met (NM_001374427.1); c.917C>T, p.Thr306Met (NM_153818.2); short protein forms T142M, T161M, T305M, T306M, T286M.
Identifiers: ClinVar variation 939299 (VCV000939299.4), dbSNP rs774205482, ClinGen allele CA537995.

ClinVar aggregate classification (germline): Uncertain significance. Review status: criteria provided, single submitter (1 of 4 stars). 2 submissions from 2 submitters: Uncertain significance (1). 1 of the submissions does not count toward it. Last evaluated 2022-06-01.

Conditions:
Zellweger spectrum disorders (ZS). Also called: Zellweger syndrome; Zellweger Spectrum Disorder; Zellweger Spectrum; Zellweger Spectrum Disorder (ZSD). Identifiers: Orphanet 912, MedGen C0043459, MONDO:0019609.
Peroxisome biogenesis disorder, complementation group 7 (CG7). Also called: Peroxisome biogenesis disorder, complementation group B. Identifiers: MedGen C1864399.

Allele frequency attached by ClinVar (database versions not stated): ExAC 0.00001; gnomAD exomes 0.00001 and 0.00002; TOPMed 0.00001; gnomAD 0.00002.

Submissions (2):

Labcorp Genetics (formerly Invitae), Labcorp
Classification: Uncertain significance for Peroxisome biogenesis disorder, complementation group 7. Last evaluated: 2022-06-01. Review status: criteria provided, single submitter. Criteria: Invitae Variant Classification Sherloc (09022015). Collection method: clinical testing. Allele origin: germline.
Comment: This sequence change replaces threonine, which is neutral and polar, with methionine, which is neutral and non-polar, at codon 306 of the PEX10 protein (p.Thr306Met). This variant is present in population databases (rs774205482, gnomAD 0.006%). This variant has not been reported in the literature in individuals affected with PEX10-related conditions. ClinVar contains an entry for this variant (Variation ID: 939299). Algorithms developed to predict the effect of missense changes on protein structure and function are either unavailable or do not agree on the potential impact of this missense change (SIFT: "Deleterious"; PolyPhen-2: "Probably Damaging"; Align-GVGD: "Class C15"). In summary, the available evidence is currently insufficient to determine the role of this variant in disease. Therefore, it has been classified as a Variant of Uncertain Significance.

Natera, Inc.
Classification: Uncertain significance for Zellweger syndrome. Last evaluated: 2021-10-12. Review status: no assertion criteria provided. Collection method: clinical testing. Allele origin: germline. Not counted in ClinVar's aggregate classification.